The following is an entry in ClinVar:

ClinVar aggregate classification (germline): Uncertain significance (1 of 4 stars; one submission).

Conditions:
Cardiovascular phenotype. Identifiers: MedGen CN230736.
Hereditary cancer-predisposing syndrome. Also called: Neoplastic Syndromes, Hereditary; Tumor predisposition; Hereditary Cancer Syndrome; Hereditary neoplastic syndrome. Identifiers: Orphanet 140162, MedGen C0027672, MeSH D009386, MONDO:0015356.

Submission:

Ambry Genetics
Classification: Uncertain significance for Cardiovascular phenotype; Hereditary cancer-predisposing syndrome. Last evaluated: 2026-04-03. Review status: criteria provided, single submitter. Criteria: Ambry Variant Classification Scheme 2023. Collection method: clinical testing. Allele origin: germline.
Comment: The c.6517_6519dupAGA variant (also known as p.R2173dup), located in coding exon 42 of the NF1 gene, results from an in-frame duplication of AGA at nucleotide positions 6517 to 6519. This results in the duplication of an arginine residue at codon 2173. This amino acid position is highly conserved in available vertebrate species. In addition, the in silico prediction for this variant is inconclusive (Choi Y et al. PLoS ONE. 2012; 7(10):e46688). Based on the available evidence, the clinical significance of this variant remains unclear.

NM_001042492.3(NF1):c.6580_6582dup (p.Arg2194_Glu2195insArg)

Gene: NF1 (neurofibromin 1; plus strand). Cytogenetic location: 17q11.2.
Variant type: Duplication.
Coding change: c.6580_6582dup on transcript NM_001042492.3 (MANE Select); coding-DNA positions 6580 to 6582, 3 bases duplicated (AGA; older notation c.6580_6582dupAGA).
Protein change: p.Arg2194_Glu2195insArg.
Molecular consequence: inframe insertion. On other transcripts: inframe indel (1).
Genome position (GRCh38, 1-based): chr17:31,337,520-31,337,522, AGA duplicated. VCF-style (leftmost placement, unchanged base first): chr17-31337519-G-GAGA. GRCh37 (hg19) VCF-style: chr17-29664537-G-GAGA.
Other names: c.6517_6519dup, p.Arg2173_Glu2174insArg (NM_000267.4); c.6517_6519dupAGA (NM_000267.3).
Identifiers: ClinVar variation 4860885 (VCV004860885.1).
Genomic context (GRCh38, chr17:31,337,519, plus strand): 5'-TGCTGTCATTGCCTTCCGTTCCAGTTACCGGGACAGGTCATTCTCTCCTGGCTCCTATGA[G>GAGA]AGAGAGACTTTTGCTTTGACATCCTTGGAAACAGTCACAGAAGCTTTGTTGGAGATCATG-3'